The following is an entry in ClinVar:

ClinVar aggregate classification (germline): Likely benign. Review status: criteria provided, single submitter (1 of 4 stars). 2 submissions from 2 submitters: Likely benign (1). 1 of the submissions does not count toward it. Last evaluated 2026-01-22.

Conditions:
ALG1-congenital disorder of glycosylation. Also called: CDG Ik; CONGENITAL DISORDER OF GLYCOSYLATION, TYPE Ik; ALG1-CDG. Identifiers: Orphanet 79327, MedGen C2931005, MONDO:0012052, OMIM 608540.
ALG1-related disorder. Also called: ALG1-related condition.

Allele frequency attached by ClinVar (database versions not stated): gnomAD exomes 0.00004 and 0.00010; ExAC 0.00012; ESP Exome Variant Server 0.00025; 1000 Genomes Project 30x 0.00031; gnomAD 0.00032 and 0.00036; TOPMed 0.00037; 1000 Genomes Project 0.00040.

Submissions (2):

Labcorp Genetics (formerly Invitae), Labcorp
Classification: Likely benign for ALG1-congenital disorder of glycosylation. Last evaluated: 2026-01-22. Review status: criteria provided, single submitter. Criteria: Invitae Variant Classification Sherloc (09022015). Collection method: clinical testing. Allele origin: germline.

PreventionGenetics, part of Exact Sciences
Classification: Likely benign for ALG1-related condition. Last evaluated: 2020-09-09. Review status: no assertion criteria provided. Collection method: clinical testing. Allele origin: germline. Not counted in ClinVar's aggregate classification.
Comment: This variant is classified as likely benign based on ACMG/AMP sequence variant interpretation guidelines (Richards et al. 2015 PMID: 25741868, with internal and published modifications).

NM_019109.5(ALG1):c.1089T>G (p.Gly363=)

Gene: ALG1 (ALG1 chitobiosyldiphosphodolichol beta-mannosyltransferase; plus strand). Cytogenetic location: 16p13.3.
Variant type: single nucleotide variant.
Coding change: c.1089T>G on transcript NM_019109.5 (MANE Select); coding-DNA position 1089, T replaced by G.
Protein change: p.Gly363=; no amino-acid change (glycine 363 retained).
Molecular consequence: synonymous variant.
Genome position (GRCh38, 1-based): chr16:5,082,575, T>G. VCF-style: chr16-5082575-T-G. GRCh37 (hg19) VCF-style: chr16-5132576-T-G.
Other names: c.756T>G, p.Gly252= (NM_001330504.2); c.1089T>G (NM_019109.4).
Identifiers: ClinVar variation 1112833 (VCV001112833.9), dbSNP rs146526768, ClinGen allele CA7890224.